The following is an entry in ClinVar:

NM_015910.7(WDPCP):c.99G>C (p.Gln33His)

Gene: WDPCP (WD repeat containing planar cell polarity effector; minus strand). Cytogenetic location: 2p15.
Variant type: single nucleotide variant.
Coding change: c.99G>C on transcript NM_015910.7 (MANE Select); coding-DNA position 99, G replaced by C.
Protein change: p.Gln33His; replaces glutamine 33 with histidine.
Molecular consequence: missense variant. On other transcripts: non-coding transcript variant (2).
Genome position (GRCh38, 1-based): chr2:63,492,917, C>G on the plus strand (G>C on the coding strand, the complement: WDPCP is on the minus strand). VCF-style: chr2-63492917-C-G. GRCh37 (hg19) VCF-style: chr2-63720051-C-G.
Other names: c.27G>C, p.Gln9His (NM_001354044.2); c.99G>C, p.Gln33His (NM_001354045.2); short protein forms Q33H, Q9H.
Identifiers: ClinVar variation 1715463 (VCV001715463.6), dbSNP rs1700985355, ClinGen allele CA347066434.
Genomic context (GRCh38, chr2:63,492,917, plus strand): 5'-CGCAATGTGTAAGGTATTCTTCAAAGACCACAGGTGCAGTTCAGTCAAGCAGAAAGACAT[C>G]TGATGGCAGAAGGAATCTCTATCCTGTTTAAAAAATAATTAAAAAGAGGTGCCAATTAAT-3'
Protein context (NP_056994.3, residues 23-43): PRQDRDSFCH[Gln33His]MSFCLTELHL

ClinVar aggregate classification (germline): Uncertain significance. Review status: criteria provided, multiple submitters, no conflicts (2 of 4 stars). 2 submissions from 2 submitters: Uncertain significance (2). Last evaluated 2024-02-24.

Conditions:
Bardet-Biedl syndrome (BBS). Identifiers: Orphanet 110, MedGen C0752166, MONDO:0015229.

Allele frequency attached by ClinVar (database versions not stated): TOPMed below 0.00001.

Submissions (2):

Labcorp Genetics (formerly Invitae), Labcorp
Classification: Uncertain significance for Bardet-Biedl syndrome. Last evaluated: 2024-02-24. Review status: criteria provided, single submitter. Criteria: Invitae Variant Classification Sherloc (09022015). Collection method: clinical testing. Allele origin: germline.
Comment: This sequence change replaces glutamine, which is neutral and polar, with histidine, which is basic and polar, at codon 33 of the WDPCP protein (p.Gln33His). This variant is not present in population databases (gnomAD no frequency). This variant has not been reported in the literature in individuals affected with WDPCP-related conditions. ClinVar contains an entry for this variant (Variation ID: 1715463). An algorithm developed to predict the effect of missense changes on protein structure and function (PolyPhen-2) suggests that this variant is likely to be disruptive. In summary, the available evidence is currently insufficient to determine the role of this variant in disease. Therefore, it has been classified as a Variant of Uncertain Significance.

Blueprint Genetics
Classification: Uncertain significance. Last evaluated: 2020-03-27. Review status: criteria provided, single submitter. Criteria: ACMG Guidelines, 2015. Collection method: clinical testing. Allele origin: germline.